The following is an entry in ClinVar:

ClinVar aggregate classification (germline): Conflicting classifications of pathogenicity. Review status: criteria provided, conflicting classifications (1 of 4 stars). 2 submissions from 2 submitters: Likely pathogenic (1); Uncertain significance (1). Last evaluated 2024-07-30.

Conditions:
Progressive external ophthalmoplegia with mitochondrial DNA deletions, autosomal dominant 1 (PEOA1). Also called: PROGRESSIVE EXTERNAL OPHTHALMOPLEGIA, AUTOSOMAL DOMINANT 1; Autosomal Dominant Progressive External Ophthalmoplegia (adPEO). Identifiers: MedGen C1834846, MONDO:0024528, OMIM 157640.
Sensory ataxic neuropathy, dysarthria, and ophthalmoparesis (SANDO). Also called: Sensory ataxic neuropathy-dysarthria-ophthalmoparesis syndrome; Epilepsy, progressive myoclonic, type 5; SENSORY ATAXIC NEUROPATHY WITH MITOCHONDRIAL DNA DELETIONS, AUTOSOMAL RECESSIVE; Ataxia Neuropathy Spectrum (ANS). Identifiers: Orphanet 70595, MedGen C1843851, MONDO:0011835, OMIM 607459.
Progressive external ophthalmoplegia with mitochondrial DNA deletions, autosomal recessive 1 (PEOB1). Also called: Progressive external ophthalmoplegia, autosomal recessive 1; Autosomal Recessive Progressive External Ophthalmoplegia (arPEO). Identifiers: Orphanet 254886, MedGen C4225153, MONDO:0009783, OMIM 258450.
Mitochondrial DNA depletion syndrome 1. Also called: Mitochondrial DNA depletion syndrome 1 (MNGIE type); POLIP SYNDROME; POLYNEUROPATHY, OPHTHALMOPLEGIA, LEUKOENCEPHALOPATHY, AND INTESTINAL PSEUDOOBSTRUCTION; Mitochondrial DNA Depletion Syndrome, MNGIE Form; Mitochondrial Neurogastrointestinal Encephalopathy Disease; MITOCHONDRIAL NEUROGASTROINTESTINAL ENCEPHALOPATHY SYNDROME, TYMP-RELATED. Identifiers: Orphanet 298, MedGen C4551995, MONDO:0011283, OMIM 603041.
Progressive sclerosing poliodystrophy (MTDPS4A). Also called: Mitochondrial DNA depletion syndrome 4A (Alpers type); ALPERS PROGRESSIVE INFANTILE POLIODYSTROPHY; NEURONAL DEGENERATION OF CHILDHOOD WITH LIVER DISEASE, PROGRESSIVE; Alpers Syndrome; Mitochondrial DNA Depletion Syndrome 4A; Alpers-Huttenlocher Syndrome (AHS). Identifiers: Orphanet 726, MedGen C0205710, MONDO:0008758, OMIM 203700.
Mitochondrial DNA depletion syndrome 4b. Also called: Mitochondrial Neurogastrointestinal Encephalopathy Disease, POLG-Related; MNGIE, POLG-RELATED. Identifiers: Orphanet 298, MedGen C3150914, MONDO:0013350, OMIM 613662.

Allele frequency attached by ClinVar (database versions not stated): gnomAD exomes below 0.00001; ExAC 0.00001; gnomAD 0.00001; TOPMed 0.00002; ESP Exome Variant Server 0.00008.
gnomAD v4.1: 2 of 1,613,528 alleles (0.00012%); highest among the groups gnomAD compares: African/African-American, 0.0027%; no homozygotes.

Submissions (2):

Labcorp Genetics (formerly Invitae), Labcorp
Classification: Likely pathogenic for Progressive sclerosing poliodystrophy. Last evaluated: 2024-07-30. Review status: criteria provided, single submitter. Criteria: Invitae Variant Classification Sherloc (09022015). Collection method: clinical testing. Allele origin: germline.
Comment: This sequence change replaces leucine, which is neutral and non-polar, with valine, which is neutral and non-polar, at codon 244 of the POLG protein (p.Leu244Val). This variant is present in population databases (rs367959489, gnomAD 0.007%). This variant has not been reported in the literature in individuals affected with POLG-related conditions. ClinVar contains an entry for this variant (Variation ID: 861889). Advanced modeling of protein sequence and biophysical properties (such as structural, functional, and spatial information, amino acid conservation, physicochemical variation, residue mobility, and thermodynamic stability) performed at Invitae indicates that this missense variant is expected to disrupt POLG protein function with a positive predictive value of 95%. This variant disrupts the p.Leu244 amino acid residue in POLG. Other variant(s) that disrupt this residue have been determined to be pathogenic (PMID: 15689359, 20601675). This suggests that this residue is clinically significant, and that variants that disrupt this residue are likely to be disease-causing. In summary, the currently available evidence indicates that the variant is pathogenic, but additional data are needed to prove that conclusively. Therefore, this variant has been classified as Likely Pathogenic.

Fulgent Genetics
Classification: Uncertain significance for Progressive external ophthalmoplegia with mitochondrial DNA deletions, autosomal dominant 1; Progressive sclerosing poliodystrophy; Progressive external ophthalmoplegia with mitochondrial DNA deletions, autosomal recessive 1; Mitochondrial DNA depletion syndrome 1; Sensory ataxic neuropathy, dysarthria, and ophthalmoparesis; Mitochondrial DNA depletion syndrome 4b. Last evaluated: 2021-12-13. Review status: criteria provided, single submitter. Criteria: ACMG Guidelines, 2015. Collection method: clinical testing. Allele origin: unknown.

Literature cited by the submitters: PubMed 15689359 (cited by Labcorp Genetics (formerly Invitae), Labcorp); PubMed 20601675 (cited by Labcorp Genetics (formerly Invitae), Labcorp).

NM_002693.3(POLG):c.730C>G (p.Leu244Val)

Gene: POLG (DNA polymerase gamma, catalytic subunit; minus strand). Cytogenetic location: 15q26.1.
Variant type: single nucleotide variant.
Coding change: c.730C>G on transcript NM_002693.3 (MANE Select); coding-DNA position 730, C replaced by G.
Protein change: p.Leu244Val; replaces leucine 244 with valine.
Molecular consequence: missense variant.
Genome position (GRCh38, 1-based): chr15:89,330,206, G>C on the plus strand (C>G on the coding strand, the complement: POLG is on the minus strand). VCF-style: chr15-89330206-G-C. GRCh37 (hg19) VCF-style: chr15-89873437-G-C.
Other names: c.730C>G, p.Leu244Val (NM_001126131.2); short protein forms L244V.
Identifiers: ClinVar variation 861889 (VCV000861889.11), dbSNP rs367959489, ClinGen allele CA7725052.